The following is an entry in ClinVar:

ClinVar aggregate classification (germline): Pathogenic. Review status: criteria provided, multiple submitters, no conflicts (2 of 4 stars). 3 submissions from 3 submitters: Pathogenic (2). 1 of the submissions does not count toward it. Last evaluated 2023-12-04.

Conditions:
Permanent neonatal diabetes mellitus (PNDM). Identifiers: Orphanet 99885, MedGen C1833104, MONDO:0100164, MONDO:0011643. Disease mechanism: gain of function.

Submissions (3):

GeneDx
Classification: Pathogenic. Last evaluated: 2023-12-04. Review status: criteria provided, single submitter. Criteria: GeneDx Variant Classification Process June 2021. Collection method: clinical testing. Allele origin: germline. Affected: yes.
Comment: Not observed at significant frequency in large population cohorts (gnomAD); In silico analysis supports that this missense variant does not alter protein structure/function; This variant is associated with the following publications: (PMID: 22815030, 22134088, 20301620, 17337505, 36746748, 17919176, 17668386, 18025408, 33184150, 34631896, 23807917, 32418263)

Labcorp Genetics (formerly Invitae), Labcorp
Classification: Pathogenic. Last evaluated: 2023-09-12. Review status: criteria provided, single submitter. Criteria: Invitae Variant Classification Sherloc (09022015). Collection method: clinical testing. Allele origin: germline.
Comment: This missense change has been observed in individual(s) with autosomal dominant permanent neonatal diabetes (PMID: 17668386, 22815030; Invitae). In at least one individual the variant was observed to be de novo. This variant is not present in population databases (gnomAD no frequency). This sequence change replaces glutamine, which is neutral and polar, with lysine, which is basic and polar, at codon 211 of the ABCC8 protein (p.Gln211Lys). For these reasons, this variant has been classified as Pathogenic. Advanced modeling of protein sequence and biophysical properties (such as structural, functional, and spatial information, amino acid conservation, physicochemical variation, residue mobility, and thermodynamic stability) performed at Invitae indicates that this missense variant is not expected to disrupt ABCC8 protein function. ClinVar contains an entry for this variant (Variation ID: 21169).

GeneReviews
No classification provided. Condition: Permanent neonatal diabetes mellitus. Review status: no classification provided. Collection method: literature only. Allele origin: unknown. Not counted in ClinVar's aggregate classification.

Literature cited by the submitters: PubMed 17668386 (cited by Labcorp Genetics (formerly Invitae), Labcorp and GeneReviews); PubMed 22815030 (cited by Labcorp Genetics (formerly Invitae), Labcorp); PubMed 20301620 (cited by GeneReviews); NCBI Bookshelf NBK1447 (cited by GeneReviews).

NM_000352.6(ABCC8):c.631C>A (p.Gln211Lys)

Gene: ABCC8 (ATP binding cassette subfamily C member 8; minus strand). Cytogenetic location: 11p15.1.
Variant type: single nucleotide variant.
Coding change: c.631C>A on transcript NM_000352.6 (MANE Select); coding-DNA position 631, C replaced by A.
Protein change: p.Gln211Lys; replaces glutamine 211 with lysine.
Molecular consequence: missense variant. On other transcripts: non-coding transcript variant (1).
Genome position (GRCh38, 1-based): chr11:17,461,774, G>T on the plus strand (C>A on the coding strand, the complement: ABCC8 is on the minus strand). VCF-style: chr11-17461774-G-T. GRCh37 (hg19) VCF-style: chr11-17483321-G-T.
Other names: c.631C>A, p.Gln211Lys (NM_001287174.3, NM_001351295.2, NM_001351296.2 and 1 more transcripts); short protein forms Q211K.
Identifiers: ClinVar variation 21169 (VCV000021169.7), dbSNP rs193929366, ClinGen allele CA341693.